The following is an entry in ClinVar:

ClinVar aggregate classification (germline): Conflicting classifications of pathogenicity. Review status: criteria provided, conflicting classifications (1 of 4 stars). 4 submissions from 4 submitters: Likely pathogenic (1); Uncertain significance (2). 1 of the submissions does not count toward it. Last evaluated 2026-06-18.

Conditions:
Primary hyperoxaluria, type I (HP1). Also called: GLYCOLIC ACIDURIA; HEPATIC AGT DEFICIENCY; OXALOSIS I; Primary hyperoxaluria type 1. Identifiers: Orphanet 416, Orphanet 93598, MedGen C0268164, MONDO:0009823, OMIM 259900. Disease mechanism: loss of function.

Submissions (4):

Myriad Genetics, Inc.
Classification: Uncertain significance for Primary hyperoxaluria, type I. Last evaluated: 2026-06-18. Review status: criteria provided, single submitter. Criteria: Myriad Autosomal Dominant, Autosomal Recessive and X-Linked Classification Criteria (2023). Collection method: clinical testing. Allele origin: unknown.
Comment: NM_000030.2(AGXT):c.283_285dupGAG(E95dup) is an in-frame insertion classified as a variant of uncertain significance in the context of primary hyperoxaluria type 1. E95dup has been observed in cases with relevant disease (PMID: 10453743, 35812297). Relevant functional assessments of this variant are not available in the literature. E95dup has not been observed in referenced population frequency databases. In summary, there is insufficient evidence to classify NM_000030.2(AGXT):c.283_285dupGAG(E95dup) as pathogenic or benign. Please note: this variant was assessed in the context of healthy population screening.

Natera, Inc.
Classification: Likely pathogenic for Primary hyperoxaluria type I. Last evaluated: 2025-07-11. Review status: criteria provided, single submitter. Criteria: Natera Variant Classification Schema (03/2026). Collection method: clinical testing. Allele origin: germline.
Comment: The c.283_285dup variant in AGXT is an in-frame duplication. This variant is rare in the general population with a frequency below the threshold expected for the associated phenotype(s). This variant has been observed in one or more individuals affected with the associated recessive disease, as either homozygous or compound heterozygous with a second variant (PMID: 35812297, 10453743). This variant results in a change to the protein length while preserving reading frame, which may disrupt normal protein structure or function. Computational prediction algorithms indicate this variant is likely to affect gene or protein function. Given the available evidence, this variant is classified as Likely Pathogenic.

Women's Health and Genetics/Laboratory Corporation of America, LabCorp
Classification: Uncertain significance. Last evaluated: 2023-08-03. Review status: criteria provided, single submitter. Criteria: LabCorp Variant Classification Summary - May 2015. Collection method: clinical testing. Allele origin: germline.
Comment: Variant summary: AGXT c.283_285dupGAG (p.Glu95dup) results in an in-frame duplication that is predicted to duplicate one amino acid into the encoded protein. The variant was absent in 250480 control chromosomes (gnomAD). c.283_285dupGAG has been reported in the literature in compound heterozygous individuals affected with Hyperoxaluria (Pirulli_1999) and Infantile Oxalosis (Deesker_2022). These data indicate that the variant may be associated with disease. To our knowledge, no experimental evidence demonstrating an impact on protein function has been reported. The following publications have been ascertained in the context of this evaluation (PMID: 35812297, 10453743). No submitters have cited clinical-significance assessments for this variant to ClinVar after 2014. Based on the evidence outlined above, the variant was classified as VUS-possibly pathogenic.

Clinical Biochemistry Laboratory, Health Services Laboratory
Classification: Pathogenic for Primary hyperoxaluria, type I. Last evaluated: 2014-11-27. Review status: no assertion criteria provided. Collection method: research. Allele origin: germline. Affected: yes. Not counted in ClinVar's aggregate classification.

Literature cited by the submitters: PubMed 10453743 (cited by 4 submitters); PubMed 35812297 (cited by 3 submitters).

NM_000030.3(AGXT):c.283_285dup (p.Glu95dup)

Gene: AGXT (alanine--glyoxylate aminotransferase; plus strand). Cytogenetic location: 2q37.3.
Variant type: Duplication.
Coding change: c.283_285dup on transcript NM_000030.3 (MANE Select); coding-DNA positions 283 to 285, 3 bases duplicated (GAG; older notation c.283_285dupGAG).
Protein change: p.Glu95dup; duplicates glutamic acid 95.
Molecular consequence: inframe insertion.
Genome position (GRCh38, 1-based): chr2:240,869,287-240,869,289, GAG duplicated; duplicating any 3 consecutive bases within chr2:240,869,286-240,869,289 gives the same sequence; the c. name uses the placement nearest the transcript's 3' end. VCF-style (leftmost placement, unchanged base first): chr2-240869285-T-TGGA. GRCh37 (hg19) VCF-style: chr2-241808702-T-TGGA.
Other names: c.283_285dupGAG (NM_000030.2); c.283_285dup (NM_000030.2).
Identifiers: ClinVar variation 204180 (VCV000204180.4), dbSNP rs180177190, ClinGen allele CA275821.
Genomic context (GRCh38, chr2:240,869,285, plus strand): 5'-TCACACTGGTCATCTCTGGCTCGGGACACTGTGCCCTGGAGGCCGCCCTGGTCAATGTGC[T>TGGA]GGAGCCTGGGGACTCCTTCCTGGTTGGGGCCAATGGCATTTGGGGGCAGCGAGCCGTGGA-3'